The following is an entry in ClinVar:

ClinVar aggregate classification (germline): Uncertain significance (1 of 4 stars; one submission).

Conditions:
DOCK2 deficiency. Also called: Immunodeficiency 40. Identifiers: Orphanet 447737, MedGen C4225328, MONDO:0014637, OMIM 616433.

Allele frequency attached by ClinVar (database versions not stated): gnomAD exomes below 0.00001; ExAC 0.00001; gnomAD 0.00003 and 0.00004; TOPMed 0.00009.

Submission:

Labcorp Genetics (formerly Invitae), Labcorp
Classification: Uncertain significance for DOCK2 deficiency. Last evaluated: 2024-12-09. Review status: criteria provided, single submitter. Criteria: Invitae Variant Classification Sherloc (09022015). Collection method: clinical testing. Allele origin: germline.
Comment: This sequence change replaces threonine, which is neutral and polar, with isoleucine, which is neutral and non-polar, at codon 1521 of the DOCK2 protein (p.Thr1521Ile). This variant is present in population databases (rs775309020, gnomAD 0.01%). This variant has not been reported in the literature in individuals affected with DOCK2-related conditions. ClinVar contains an entry for this variant (Variation ID: 1020481). An algorithm developed to predict the effect of missense changes on protein structure and function (PolyPhen-2) suggests that this variant is likely to be tolerated. In summary, the available evidence is currently insufficient to determine the role of this variant in disease. Therefore, it has been classified as a Variant of Uncertain Significance.

NM_004946.3(DOCK2):c.4562C>T (p.Thr1521Ile)

Gene: DOCK2 (dedicator of cytokinesis 2; plus strand). Cytogenetic location: 5q35.1.
Variant type: single nucleotide variant.
Coding change: c.4562C>T on transcript NM_004946.3 (MANE Select); coding-DNA position 4562, C replaced by T.
Protein change: p.Thr1521Ile; replaces threonine 1521 with isoleucine.
Molecular consequence: missense variant. On other transcripts: non-coding transcript variant (1).
Genome position (GRCh38, 1-based): chr5:170,067,604, C>T. VCF-style: chr5-170067604-C-T. GRCh37 (hg19) VCF-style: chr5-169494608-C-T.
Other names: short protein forms T1521I.
Identifiers: ClinVar variation 1020481 (VCV001020481.8), dbSNP rs775309020, ClinGen allele CA3554588.